The following is an entry in ClinVar:

ClinVar aggregate classification (germline): Conflicting classifications of pathogenicity. Review status: criteria provided, conflicting classifications (1 of 4 stars). 15 submissions from 15 submitters: Uncertain significance (10); Likely benign (3). 2 of the submissions do not count toward it. Last evaluated 2026-07-01.

Conditions:
Inborn genetic diseases. Identifiers: MedGen C0950123, MeSH D030342.
ATP7B-related disorder. Also called: ATP7B-related condition.
Wilson disease (WND). Also called: Wilson's disease. Identifiers: Orphanet 905, MedGen C0019202, MONDO:0010200, OMIM 277900. Disease mechanism: loss of function.

Allele frequency attached by ClinVar (database versions not stated): ESP Exome Variant Server 0.00024; 1000 Genomes Project 30x 0.00031; gnomAD exomes 0.00035 and 0.00068; 1000 Genomes Project 0.00040; gnomAD 0.00050 and 0.00053; ExAC 0.00052; TOPMed 0.00073.
gnomAD v4.1: 621 of 1,613,888 alleles (0.038%); highest among the groups gnomAD compares: Admixed American, 0.21%; 1 homozygote.

Submissions (15):

CeGaT Center for Human Genetics Tuebingen
Classification: Likely benign. Last evaluated: 2026-07-01. Review status: criteria provided, single submitter. Criteria: CeGaT Center For Human Genetics Tuebingen Variant Classification Criteria Version 2. Collection method: clinical testing. Allele origin: germline. Affected: yes. Observed: 4 variant alleles.
Comment: ATP7B: BS1

Labcorp Genetics (formerly Invitae), Labcorp
Classification: Likely benign for Wilson disease. Last evaluated: 2026-01-31. Review status: criteria provided, single submitter. Criteria: Invitae Variant Classification Sherloc (09022015). Collection method: clinical testing. Allele origin: germline.

Women's Health and Genetics/Laboratory Corporation of America, LabCorp
Classification: Uncertain significance. Last evaluated: 2025-07-18. Review status: criteria provided, single submitter. Criteria: LabCorp Variant Classification Summary - May 2015. Collection method: clinical testing. Allele origin: germline.
Comment: Variant summary: ATP7B c.1993A>G (p.Met665Val) results in a conservative amino acid change located in the heavy metal associated domain 5 of the encoded protein sequence. Algorithms developed to predict the effect of missense changes on protein structure and function are either unavailable or do not agree on the potential impact of this missense change. The variant allele was found at a frequency of 0.00068 in 249212 control chromosomes. This frequency is not significantly higher than estimated for a pathogenic variant in ATP7B causing Wilson Disease (0.00068 vs 0.0054), allowing no conclusion about variant significance. c.1993A>G has been reported in the literature in individuals affected with Schizophrenia, generalized anxiety disorder and obsessive compulsive disorder (Sriretnakumar_2019, Sriretnakumar_2024, Jensson_2023). These report(s) do not provide unequivocal conclusions about association of the variant with Wilson Disease. To our knowledge, no experimental evidence demonstrating an impact on protein function has been reported. The following publications have been ascertained in the context of this evaluation (PMID: 37937776, 38532509, 30556376). ClinVar contains an entry for this variant (Variation ID: 495404). Based on the evidence outlined above, the variant was classified as uncertain significance.

GeneDx
Classification: Uncertain significance. Last evaluated: 2025-07-07. Review status: criteria provided, single submitter. Criteria: GeneDx Variant Classification Process June 2021. Collection method: clinical testing. Allele origin: germline. Affected: yes.
Comment: Observed without a second variant in ATP7B in a patient with psychiatric symptoms and in another patient with small fiber neuropathy (PMID: 30556376, 39000354); In silico analysis supports that this missense variant has a deleterious effect on protein structure/function; Also known as c.1660A>G p.(M554V); This variant is associated with the following publications: (PMID: 37937776, 39000354, 30556376, 38532509)

Color Diagnostics, LLC DBA Color Health
Classification: Uncertain significance for Wilson disease. Last evaluated: 2025-06-24. Review status: criteria provided, single submitter. Criteria: ACMG Guidelines, 2015. Collection method: clinical testing. Allele origin: germline.
Comment: This missense variant replaces methionine with valine at codon 665 of the ATP7B protein. Computational prediction is inconclusive regarding the impact of this variant on protein structure and function. To our knowledge, functional studies have not been reported for this variant. This variant has been reported in trans with a pathogenic variant in an individual affected with Wilson disease (PMID: 37254446). This variant has been identified in 184/280588 chromosomes in the general population by the Genome Aggregation Database (gnomAD). The available evidence is insufficient to determine the role of this variant in disease conclusively. Therefore, this variant is classified as a Variant of Uncertain Significance.

All of Us Research Program, National Institutes of Health
Classification: Uncertain significance for Wilson disease. Last evaluated: 2024-09-23. Review status: criteria provided, single submitter. Criteria: ACMG Guidelines, 2015. Collection method: clinical testing. Allele origin: germline. Inheritance: Autosomal recessive inheritance. Observed: 195 variant alleles, 194 heterozygotes, 1 homozygote.
Comment: This missense variant replaces methionine with valine at codon 665 of the ATP7B protein. Computational prediction is inconclusive regarding the impact of this variant on protein structure and function (internally defined REVEL score threshold 0.5 < inconclusive < 0.7, PMID: 27666373). To our knowledge, functional studies have not been reported for this variant. This variant has not been reported in individuals affected with Wilson disease in the literature. This variant has been identified in 184/280588 chromosomes in the general population by the Genome Aggregation Database (gnomAD). The available evidence is insufficient to determine the role of this variant in disease conclusively. Therefore, this variant is classified as a Variant of Uncertain Significance.

This study involves interpretation of variants in research participants for the purpose of population health screening. Participant phenotype was not available at the time of variant classification. Additional details can be found in publication PMID: 35346344, PMCID: PMC8962531

Mayo Clinic Laboratories, Mayo Clinic
Classification: Uncertain significance. Last evaluated: 2023-01-17. Review status: criteria provided, single submitter. Criteria: ACMG Guidelines, 2015. Collection method: clinical testing. Allele origin: germline. Observed: 3 variant alleles.

Mendelics
Classification: Uncertain significance. Last evaluated: 2022-05-04. Review status: criteria provided, single submitter. Criteria: Mendelics Assertion Criteria 2019. Collection method: clinical testing. Allele origin: germline.

Revvity Omics, Revvity
Classification: Uncertain significance for Wilson disease. Last evaluated: 2022-01-27. Review status: criteria provided, single submitter. Criteria: ACMG Guidelines, 2015. Collection method: clinical testing. Allele origin: germline.

Ambry Genetics
Classification: Likely benign for Inborn genetic diseases. Last evaluated: 2021-11-29. Review status: criteria provided, single submitter. Criteria: Ambry Variant Classification Scheme 2023. Collection method: clinical testing. Allele origin: germline.

Genome-Nilou Lab
Classification: Uncertain significance for Wilson disease. Last evaluated: 2021-08-10. Review status: criteria provided, single submitter. Criteria: ACMG Guidelines, 2015. Collection method: clinical testing. Allele origin: germline. Affected: no.

ARUP Laboratories, Molecular Genetics and Genomics, ARUP Laboratories
Classification: Uncertain significance for Wilson disease. Last evaluated: 2019-03-06. Review status: criteria provided, single submitter. Criteria: ARUP Molecular Germline Variant Investigation Process. Collection method: clinical testing. Allele origin: germline.
Comment: The ATP7B c.1993A>G; p.Met665Val variant (rs146303208), to our knowledge, is not described in the medical literature but contains and entry in ClinVar (Variation ID: 495404). It is observed in the general population at an overall frequency of 0.066% (184/280588 alleles) in the Genome Aggregation Database. The methionine at codon 665 is moderately conserved, but computational algorithms (PolyPhen-2: benign, SIFT: damaging) predict conflicting effects of this variant on protein structure/function. Another variant at this codon (c.1995G>A; p.Met665Ile) has been described in association with Wilson disease and is considered pathogenic (see link to Wilson disease mutation database). However, due to limited information regarding the p.Met665Val variant, its clinical significance cannot be determined with certainty. REFERENCES Wilson Disease Mutation Database

Illumina Laboratory Services, Illumina
Classification: Uncertain significance for Wilson disease. Last evaluated: 2018-01-13. Review status: criteria provided, single submitter. Criteria: ICSL Variant Classification Criteria 13 December 2019. Collection method: clinical testing. Allele origin: germline.

PreventionGenetics, part of Exact Sciences
Classification: Likely benign for ATP7B-related condition. Last evaluated: 2022-04-25. Review status: no assertion criteria provided. Collection method: clinical testing. Allele origin: germline. Not counted in ClinVar's aggregate classification.
Comment: This variant is classified as likely benign based on ACMG/AMP sequence variant interpretation guidelines (Richards et al. 2015 PMID: 25741868, with internal and published modifications).

Natera, Inc.
Classification: Uncertain significance for Wilson disease. Last evaluated: 2020-04-15. Review status: no assertion criteria provided. Collection method: clinical testing. Allele origin: germline. Not counted in ClinVar's aggregate classification.

Literature cited by the submitters: PubMed 30556376 (cited by Women's Health and Genetics/Laboratory Corporation of America, LabCorp and Mayo Clinic Laboratories, Mayo Clinic); PubMed 37937776 (cited by Women's Health and Genetics/Laboratory Corporation of America, LabCorp); PubMed 38532509 (cited by Women's Health and Genetics/Laboratory Corporation of America, LabCorp); PubMed 37254446 (cited by Color Diagnostics, LLC DBA Color Health).

NM_000053.4(ATP7B):c.1993A>G (p.Met665Val)

Gene: ATP7B (ATPase copper transporting beta; minus strand). Cytogenetic location: 13q14.3.
Variant type: single nucleotide variant.
Coding change: c.1993A>G on transcript NM_000053.4 (MANE Select); coding-DNA position 1993, A replaced by G.
Protein change: p.Met665Val; replaces methionine 665 with valine.
Molecular consequence: missense variant. On other transcripts: intron variant (2).
Genome position (GRCh38, 1-based): chr13:51,960,276, T>C on the plus strand (A>G on the coding strand, the complement: ATP7B is on the minus strand). VCF-style: chr13-51960276-T-C. GRCh37 (hg19) VCF-style: chr13-52534412-T-C.
Other names: c.1660A>G, p.Met554Val (NM_001243182.2); c.1993A>G, p.Met665Val (NM_001330578.2); c.1870-2669A>G (NM_001005918.3); c.1870-1732A>G (NM_001330579.2); short protein forms M665V, M554V.
Identifiers: ClinVar variation 495404 (VCV000495404.94), dbSNP rs146303208, ClinGen allele CA6989142.